The following is an entry in ClinVar:

ClinVar aggregate classification (germline): Uncertain significance. Review status: criteria provided, multiple submitters, no conflicts (2 of 4 stars). 2 submissions from 2 submitters: Uncertain significance (2). Last evaluated 2025-12-24.

Conditions:
Hereditary nonpolyposis colorectal neoplasms. Identifiers: MedGen C0009405, MeSH D003123.
Hereditary cancer-predisposing syndrome. Also called: Neoplastic Syndromes, Hereditary; Tumor predisposition; Hereditary neoplastic syndrome; Hereditary Cancer Syndrome. Identifiers: Orphanet 140162, MedGen C0027672, MeSH D009386, MONDO:0015356.

Allele frequency attached by ClinVar (database versions not stated): TOPMed below 0.00001.
gnomAD v4.1: 12 of 1,613,974 alleles (0.00074%); highest among the groups gnomAD compares: Non-Finnish European, 0.001%; no homozygotes.

Submissions (2):

Labcorp Genetics (formerly Invitae), Labcorp
Classification: Uncertain significance for Hereditary nonpolyposis colorectal neoplasms. Last evaluated: 2025-12-24. Review status: criteria provided, single submitter. Criteria: Invitae Variant Classification Sherloc (09022015). Collection method: clinical testing. Allele origin: germline.
Comment: This sequence change replaces proline, which is neutral and non-polar, with histidine, which is basic and polar, at codon 1278 of the MSH6 protein (p.Pro1278His). This variant is not present in population databases (gnomAD no frequency). This variant has not been reported in the literature in individuals affected with MSH6-related conditions. ClinVar contains an entry for this variant (Variation ID: 660922). Invitae Evidence Modeling of protein sequence and biophysical properties (such as structural, functional, and spatial information, amino acid conservation, physicochemical variation, residue mobility, and thermodynamic stability) indicates that this missense variant is not expected to disrupt MSH6 protein function with a negative predictive value of 95%. In summary, the available evidence is currently insufficient to determine the role of this variant in disease. Therefore, it has been classified as a Variant of Uncertain Significance.

Ambry Genetics
Classification: Uncertain significance for Hereditary cancer-predisposing syndrome. Last evaluated: 2024-01-17. Review status: criteria provided, single submitter. Criteria: Ambry Variant Classification Scheme 2023. Collection method: clinical testing. Allele origin: germline.
Comment: The p.P1278H variant (also known as c.3833C>A), located in coding exon 9 of the MSH6 gene, results from a C to A substitution at nucleotide position 3833. The proline at codon 1278 is replaced by histidine, an amino acid with similar properties. This amino acid position is highly conserved in available vertebrate species. In addition, this alteration is predicted to be deleterious by in silico analysis. Since supporting evidence is limited at this time, the clinical significance of this alteration remains unclear.

NM_000179.3(MSH6):c.3833C>A (p.Pro1278His)

Gene: MSH6 (mutS homolog 6; plus strand). Cytogenetic location: 2p16.3.
Variant type: single nucleotide variant.
Coding change: c.3833C>A on transcript NM_000179.3 (MANE Select); coding-DNA position 3833, C replaced by A.
Protein change: p.Pro1278His; replaces proline 1278 with histidine.
Molecular consequence: missense variant.
Genome position (GRCh38, 1-based): chr2:47,806,483, C>A. VCF-style: chr2-47806483-C-A. GRCh37 (hg19) VCF-style: chr2-48033622-C-A.
Other names: c.2927C>A, p.Pro976His (NM_001281494.2, NM_001281493.2); c.3443C>A, p.Pro1148His (NM_001281492.2); short protein forms P976H, P1148H, P1278H.
Identifiers: ClinVar variation 660922 (VCV000660922.11), dbSNP rs201191389, ClinGen allele CA346761279.